The following is an entry in ClinVar:

ClinVar aggregate classification (germline): Uncertain significance (1 of 4 stars; one submission).

gnomAD v4.1: 1 of 1,593,966 alleles (0.000063%); highest among the groups gnomAD compares: Non-Finnish European, 0.000085%; no homozygotes.

Submission:

GeneDx
Classification: Uncertain significance. Last evaluated: 2024-07-22. Review status: criteria provided, single submitter. Criteria: GeneDx Variant Classification Process June 2021. Collection method: clinical testing. Allele origin: germline. Affected: yes.
Comment: Not observed at significant frequency in large population cohorts (gnomAD); In silico analysis supports that this missense variant has a deleterious effect on protein structure/function; Has not been previously published as pathogenic or benign to our knowledge

NM_014712.3(SETD1A):c.2602A>G (p.Lys868Glu)

Gene: SETD1A (SET domain containing 1A, histone lysine methyltransferase; plus strand). Cytogenetic location: 16p11.2.
Variant type: single nucleotide variant.
Coding change: c.2602A>G on transcript NM_014712.3 (MANE Select); coding-DNA position 2602, A replaced by G.
Protein change: p.Lys868Glu; replaces lysine 868 with glutamic acid.
Molecular consequence: missense variant.
Genome position (GRCh38, 1-based): chr16:30,966,980, A>G. VCF-style: chr16-30966980-A-G. GRCh37 (hg19) VCF-style: chr16-30978301-A-G.
Other names: short protein forms K868E.
Identifiers: ClinVar variation 3600840 (VCV003600840.1).
Genomic context (GRCh38, chr16:30,966,980, plus strand): 5'-GAGGATAAAGAGAAGACGAAGCTGAAGGAGCCTGGCCTGCTGTCCCTCGTGGACTGGGCC[A>G]AGAGCGGGGGCACTACGGGCATCGAGGCTTTCGCCTTTGGGTCAGGGCTGAGAGGGGCCC-3'
Protein context (NP_055527.1, residues 858-878): PGLLSLVDWA[Lys868Glu]SGGTTGIEAF